The following is an entry in ClinVar:

NM_001352027.3(PHF21A):c.1196C>T (p.Pro399Leu)

Gene: PHF21A (PHD finger protein 21A; minus strand). Cytogenetic location: 11p11.2.
Variant type: single nucleotide variant.
Coding change: c.1196C>T on transcript NM_001352027.3 (MANE Select); coding-DNA position 1196, C replaced by T.
Protein change: p.Pro399Leu; replaces proline 399 with leucine.
Molecular consequence: missense variant. On other transcripts: non-coding transcript variant (2).
Genome position (GRCh38, 1-based): chr11:45,949,433, G>A on the plus strand (C>T on the coding strand, the complement: PHF21A is on the minus strand). VCF-style: chr11-45949433-G-A. GRCh37 (hg19) VCF-style: chr11-45970984-G-A.
Other names: c.1193C>T, p.Pro398Leu (NM_001101802.3, NM_001352030.3, NM_001352031.3 and 1 more transcripts); c.1196C>T, p.Pro399Leu (NM_001352025.3, NM_001352026.3, NM_001352028.1 and 2 more transcripts); short protein forms P398L, P399L.
Identifiers: ClinVar variation 3691797 (VCV003691797.2).

ClinVar aggregate classification (germline): Uncertain significance (1 of 4 stars; one submission).

gnomAD v4.1: 14 of 1,614,168 alleles (0.00087%); highest among the groups gnomAD compares: South Asian, 0.0011%; no homozygotes.

Submission:

Labcorp Genetics (formerly Invitae), Labcorp
Classification: Uncertain significance. Last evaluated: 2026-01-26. Review status: criteria provided, single submitter. Criteria: Invitae Variant Classification Sherloc (09022015). Collection method: clinical testing. Allele origin: germline.
Comment: This sequence change replaces proline, which is neutral and non-polar, with leucine, which is neutral and non-polar, at codon 398 of the PHF21A protein (p.Pro398Leu). This variant is present in population databases (rs776710720, gnomAD 0.004%). This variant has not been reported in the literature in individuals affected with PHF21A-related conditions. ClinVar contains an entry for this variant (Variation ID: 3691797). Invitae Evidence Modeling of protein sequence and biophysical properties (such as structural, functional, and spatial information, amino acid conservation, physicochemical variation, residue mobility, and thermodynamic stability) has been performed for this missense variant. However, the output from this modeling did not meet the statistical confidence thresholds required to predict the impact of this variant on PHF21A protein function. In summary, the available evidence is currently insufficient to determine the role of this variant in disease. Therefore, it has been classified as a Variant of Uncertain Significance.